The following is an entry in ClinVar:

NM_002234.4(KCNA5):c.775G>A (p.Val259Ile)

Gene: KCNA5 (potassium voltage-gated channel subfamily A member 5; plus strand). Cytogenetic location: 12p13.32.
Variant type: single nucleotide variant.
Coding change: c.775G>A on transcript NM_002234.4 (MANE Select); coding-DNA position 775, G replaced by A.
Protein change: p.Val259Ile; replaces valine 259 with isoleucine.
Molecular consequence: missense variant.
Genome position (GRCh38, 1-based): chr12:5,044,922, G>A. VCF-style: chr12-5044922-G-A. GRCh37 (hg19) VCF-style: chr12-5154088-G-A.
Other names: short protein forms V259I.
Identifiers: ClinVar variation 2917091 (VCV002917091.3), dbSNP rs528511896, ClinGen allele CA6399711.
Genomic context (GRCh38, chr12:5,044,922, plus strand): 5'-ATCTTCGAGTATCCGGAGAGCTCTGGGTCCGCGCGGGCCATCGCCATCGTCTCGGTCTTG[G>A]TTATCCTCATCTCCATCATCACCTTCTGCTTGGAGACCCTGCCTGAGTTCAGGGATGAAC-3'
Protein context (NP_002225.2, residues 249-269): ARAIAIVSVL[Val259Ile]ILISIITFCL

ClinVar aggregate classification (germline): Uncertain significance (1 of 4 stars; one submission).

Conditions:
Atrial fibrillation, familial, 7 (ATFB7). Identifiers: MedGen C2677106, MONDO:0012828, OMIM 612240.

Allele frequency attached by ClinVar (database versions not stated): gnomAD exomes 0.00002; ExAC 0.00004.

Submission:

Labcorp Genetics (formerly Invitae), Labcorp
Classification: Uncertain significance for Atrial fibrillation, familial, 7. Last evaluated: 2025-10-07. Review status: criteria provided, single submitter. Criteria: Invitae Variant Classification Sherloc (09022015). Collection method: clinical testing. Allele origin: germline.
Comment: This sequence change replaces valine, which is neutral and non-polar, with isoleucine, which is neutral and non-polar, at codon 259 of the KCNA5 protein (p.Val259Ile). This variant is present in population databases (rs528511896, gnomAD 0.06%), and has an allele count higher than expected for a pathogenic variant. This missense change has been observed in individual(s) with familial atrial fibrillation (PMID: 32721895). ClinVar contains an entry for this variant (Variation ID: 2917091). Invitae Evidence Modeling of protein sequence and biophysical properties (such as structural, functional, and spatial information, amino acid conservation, physicochemical variation, residue mobility, and thermodynamic stability) indicates that this missense variant is not expected to disrupt KCNA5 protein function with a negative predictive value of 80%. In summary, the available evidence is currently insufficient to determine the role of this variant in disease. Therefore, it has been classified as a Variant of Uncertain Significance.

Literature cited by the submitters: PubMed 32721895.